The following is an entry in ClinVar:

ClinVar aggregate classification (germline): Uncertain significance (1 of 4 stars; one submission).

Allele frequency attached by ClinVar (database versions not stated): gnomAD exomes below 0.00001.
gnomAD v4.1: 1 of 1,594,652 alleles (0.000063%); highest among the groups gnomAD compares: African/African-American, 0.0013%; no homozygotes.

Submission:

Labcorp Genetics (formerly Invitae), Labcorp
Classification: Uncertain significance. Last evaluated: 2023-06-14. Review status: criteria provided, single submitter. Criteria: Invitae Variant Classification Sherloc (09022015). Collection method: clinical testing. Allele origin: germline.
Comment: In summary, the available evidence is currently insufficient to determine the role of this variant in disease. Therefore, it has been classified as a Variant of Uncertain Significance. Algorithms developed to predict the effect of missense changes on protein structure and function output the following: SIFT: "Not Available"; PolyPhen-2: "Probably Damaging"; Align-GVGD: "Not Available". The isoleucine amino acid residue is found in multiple mammalian species, which suggests that this missense change does not adversely affect protein function. This variant has not been reported in the literature in individuals affected with HMCN1-related conditions. This variant is not present in population databases (gnomAD no frequency). This sequence change replaces threonine, which is neutral and polar, with isoleucine, which is neutral and non-polar, at codon 2948 of the HMCN1 protein (p.Thr2948Ile).

NM_031935.3(HMCN1):c.8843C>T (p.Thr2948Ile)

Gene: HMCN1 (hemicentin 1; plus strand). Cytogenetic location: 1q31.1.
Variant type: single nucleotide variant.
Coding change: c.8843C>T on transcript NM_031935.3 (MANE Select); coding-DNA position 8843, C replaced by T.
Protein change: p.Thr2948Ile; replaces threonine 2948 with isoleucine.
Molecular consequence: missense variant.
Genome position (GRCh38, 1-based): chr1:186,082,920, C>T. VCF-style: chr1-186082920-C-T. GRCh37 (hg19) VCF-style: chr1-186052052-C-T.
Other names: short protein forms T2948I.
Identifiers: ClinVar variation 2714448 (VCV002714448.3), dbSNP rs2527868902, ClinGen allele CA343915996.